The following is an entry in ClinVar:

ClinVar aggregate classification (germline): Conflicting classifications of pathogenicity. Review status: criteria provided, conflicting classifications (1 of 4 stars). 11 submissions from 10 submitters: Uncertain significance (2); Likely benign (7). 2 of the submissions do not count toward it. Last evaluated 2026-01-21.

Conditions:
Hearing impairment. Also called: Impaired Hearing. Identifiers: MedGen C1384666, MONDO:0005365, HP:0000365.
SLC26A4-related disorder. Also called: SLC26A4-related disorders; SLC26A4-related condition.
Inborn genetic diseases. Identifiers: MedGen C0950123, MeSH D030342.
Pendred syndrome (PDS). Also called: Pendred Syndrome (PDS); GOITER-DEAFNESS SYNDROME; Pendred's syndrome; DEAFNESS WITH GOITER; HYPOTHYROIDISM, CONGENITAL, DUE TO DYSHORMONOGENESIS, 2B; THYROID DYSHORMONOGENESIS 2B. Identifiers: Orphanet 705, MedGen C0271829, MONDO:0010134, OMIM 274600.
Autosomal recessive nonsyndromic hearing loss 4 (DFNB4). Also called: Nonsyndromic enlarged vestibular aqueduct (NSEVA); Deafness, autosomal recessive 4, with enlarged vestibular aqueduct; Deafness, autosomal recessive 4; Enlarged vestibular aqueduct, digenic; FOXI1-Related Pendred Syndrome; KCNJ10-Related Pendred Syndrome. Identifiers: Orphanet 90636, MedGen C3538946, MONDO:0010933, OMIM 600791.

Allele frequency attached by ClinVar (database versions not stated): gnomAD 0.00016; ESP Exome Variant Server 0.00023; gnomAD exomes 0.00025; TOPMed 0.00025; ExAC 0.00032; 1000 Genomes Project 0.00040; 1000 Genomes Project 30x 0.00047.
gnomAD v4.1: 248 of 1,614,050 alleles (0.015%); highest among the groups gnomAD compares: East Asian, 0.094%; no homozygotes.

Submissions (11):

Labcorp Genetics (formerly Invitae), Labcorp
Classification: Likely benign. Last evaluated: 2026-01-21. Review status: criteria provided, single submitter. Criteria: Invitae Variant Classification Sherloc (09022015). Collection method: clinical testing. Allele origin: germline.

Blueprint Genetics
Classification: Likely benign. Last evaluated: 2024-11-05. Review status: criteria provided, single submitter. Criteria: ACMG Guidelines, 2015. Collection method: clinical testing. Allele origin: germline.

Ambry Genetics
Classification: Likely benign for Inborn genetic diseases. Last evaluated: 2023-06-06. Review status: criteria provided, single submitter. Criteria: Ambry Variant Classification Scheme 2023. Collection method: clinical testing. Allele origin: germline.

Myriad Genetics, Inc.
Classification: Uncertain significance for Pendred syndrome. Last evaluated: 2021-11-04. Review status: criteria provided, single submitter. Criteria: Myriad Women's Health Autosomal Recessive and X-Linked Classification Criteria (2021). Collection method: clinical testing. Allele origin: unknown.
Comment: NM_000441.1(SLC26A4):c.225C>G(L75=) is a silent variant classified as a variant of uncertain significance in the context of Pendred syndrome. L75= has been observed in cases with relevant disease (PMID: 23185506, 25788563, 15355436, 33152970). Functional assessments of this variant are not available in the literature. L75= has been observed in population frequency databases (gnomAD: EAS 0.09%). In summary, there is insufficient evidence to classify NM_000441.1(SLC26A4):c.225C>G(L75=) as pathogenic or benign. Please note: this variant was assessed in the context of healthy population screening.

Genome-Nilou Lab
Classification: Likely benign for Autosomal recessive nonsyndromic hearing loss 4. Last evaluated: 2021-09-05. Review status: criteria provided, single submitter. Criteria: ACMG Guidelines, 2015. Collection method: clinical testing. Allele origin: germline. Affected: no.

Genome-Nilou Lab
Classification: Likely benign for Pendred syndrome. Last evaluated: 2021-05-18. Review status: criteria provided, single submitter. Criteria: ACMG Guidelines, 2015. Collection method: clinical testing. Allele origin: germline. Affected: no.

Department of Otolaryngology – Head & Neck Surgery, Cochlear Implant Center
Classification: Likely benign for Hearing impairment. Last evaluated: 2021-04-12. Review status: criteria provided, single submitter. Criteria: ClinGen HL ACMG Specifications v1. Collection method: clinical testing. Allele origin: germline. Affected: yes.
Comment: PM2_Moderate, BP4_Supporting, BP5_Supporting, BP7_Supporting

GeneDx
Classification: Likely benign. Last evaluated: 2020-12-18. Review status: criteria provided, single submitter. Criteria: GeneDx Variant Classification Process June 2021. Collection method: clinical testing. Allele origin: germline. Affected: yes.
Comment: This variant is associated with the following publications: (PMID: 33152970, 19040761, 23185506)

Soonchunhyang University Bucheon Hospital, Soonchunhyang University Medical Center
Classification: Uncertain significance for Autosomal recessive nonsyndromic hearing loss 4. Last evaluated: 2016-03-18. Review status: criteria provided, single submitter. Criteria: ACMG Guidelines, 2015. Collection method: reference population. Allele origin: germline. Observed: 2 variant alleles.

Natera, Inc.
Classification: Likely benign for Pendred syndrome. Last evaluated: 2020-09-16. Review status: no assertion criteria provided. Collection method: clinical testing. Allele origin: germline. Not counted in ClinVar's aggregate classification.

PreventionGenetics, part of Exact Sciences
Classification: Likely benign for SLC26A4-related condition. Last evaluated: 2020-02-05. Review status: no assertion criteria provided. Collection method: clinical testing. Allele origin: germline. Not counted in ClinVar's aggregate classification.
Comment: This variant is classified as likely benign based on ACMG/AMP sequence variant interpretation guidelines (Richards et al. 2015 PMID: 25741868, with internal and published modifications).

Literature cited by the submitters: PubMed 25788563 (cited by Myriad Genetics, Inc.); PubMed 15355436 (cited by Myriad Genetics, Inc.); PubMed 23185506 (cited by 3 submitters); PubMed 33152970 (cited by Myriad Genetics, Inc.).

NM_000441.2(SLC26A4):c.225C>G (p.Leu75=)

Gene: SLC26A4 (solute carrier family 26 member 4; plus strand). Cytogenetic location: 7q22.3.
Variant type: single nucleotide variant.
Coding change: c.225C>G on transcript NM_000441.2 (MANE Select); coding-DNA position 225, C replaced by G.
Protein change: p.Leu75=; no amino-acid change (leucine 75 retained).
Molecular consequence: synonymous variant.
Genome position (GRCh38, 1-based): chr7:107,663,356, C>G. VCF-style: chr7-107663356-C-G. GRCh37 (hg19) VCF-style: chr7-107303801-C-G.
Identifiers: ClinVar variation 225473 (VCV000225473.31), dbSNP rs187447337, ClinGen allele CA4432401.